The following is an entry in ClinVar:

ClinVar aggregate classification (germline): Uncertain significance (1 of 4 stars; one submission).

Submission:

Labcorp Genetics (formerly Invitae), Labcorp
Classification: Uncertain significance. Last evaluated: 2024-04-10. Review status: criteria provided, single submitter. Criteria: Invitae Variant Classification Sherloc (09022015). Collection method: clinical testing. Allele origin: germline.
Comment: This sequence change affects a donor splice site in intron 4 of the PACS2 gene. It is expected to disrupt RNA splicing. Variants that disrupt the donor or acceptor splice site typically lead to a loss of protein function (PMID: 16199547), however the current clinical and genetic evidence is not sufficient to establish whether loss-of-function variants in PACS2 cause disease. This variant is not present in population databases (gnomAD no frequency). This variant has not been reported in the literature in individuals affected with PACS2-related conditions. Algorithms developed to predict the effect of sequence changes on RNA splicing suggest that this variant may disrupt the consensus splice site. In summary, the available evidence is currently insufficient to determine the role of this variant in disease. Therefore, it has been classified as a Variant of Uncertain Significance.

Literature cited by the submitters: PubMed 16199547.

NM_001100913.3(PACS2):c.423+1G>A

Gene: PACS2 (phosphofurin acidic cluster sorting protein 2; plus strand). Cytogenetic location: 14q32.33.
Variant type: single nucleotide variant.
Coding change: c.423+1G>A on transcript NM_001100913.3 (MANE Select); the canonical splice donor site of the intron after coding-DNA position 423, G replaced by A.
Molecular consequence: splice donor variant.
Genome position (GRCh38, 1-based): chr14:105,355,178, G>A. VCF-style: chr14-105355178-G-A. GRCh37 (hg19) VCF-style: chr14-105821515-G-A.
Other names: c.222+1G>A (NM_001243127.3); c.423+1G>A (NM_015197.4).
Identifiers: ClinVar variation 2769991 (VCV002769991.3), dbSNP rs2544584188, ClinGen allele CA391200733.